The following is an entry in ClinVar:

ClinVar aggregate classification (germline): Uncertain significance (1 of 4 stars; one submission).

Allele frequency attached by ClinVar (database versions not stated): ExAC 0.00001; gnomAD 0.00001; gnomAD exomes 0.00001; TOPMed 0.00002.
gnomAD v4.1: 21 of 1,614,032 alleles (0.0013%); highest among the groups gnomAD compares: Non-Finnish European, 0.0017%; no homozygotes.

Submission:

GeneDx
Classification: Uncertain significance. Last evaluated: 2022-10-18. Review status: criteria provided, single submitter. Criteria: GeneDx Variant Classification Process June 2021. Collection method: clinical testing. Allele origin: germline. Affected: yes.
Comment: Not observed at significant frequency in large population cohorts (gnomAD); In silico analysis supports that this missense variant has a deleterious effect on protein structure/function; Has not been previously published as pathogenic or benign to our knowledge

NM_207037.2(TCF12):c.461C>T (p.Thr154Ile)

Gene: TCF12 (transcription factor 12; plus strand). Cytogenetic location: 15q21.3.
Variant type: single nucleotide variant.
Coding change: c.461C>T on transcript NM_207037.2 (MANE Select); coding-DNA position 461, C replaced by T.
Protein change: p.Thr154Ile; replaces threonine 154 with isoleucine.
Molecular consequence: missense variant. On other transcripts: 5 prime UTR variant (1).
Genome position (GRCh38, 1-based): chr15:57,192,228, C>T. VCF-style: chr15-57192228-C-T. GRCh37 (hg19) VCF-style: chr15-57484426-C-T.
Other names: c.461C>T, p.Thr154Ile (NM_001322151.2, NM_001322152.2, NM_001322157.3 and 7 more transcripts); c.-197C>T (NM_001322154.2); c.287C>T, p.Thr96Ile (NM_001322156.2, NM_001322158.2); c.497C>T, p.Thr166Ile (NM_001322164.2); short protein forms T154I, T166I, T96I.
Identifiers: ClinVar variation 2499926 (VCV002499926.1), dbSNP rs770717631, ClinGen allele CA7580879.